The following is an entry in ClinVar:

ClinVar aggregate classification (germline): Uncertain significance (1 of 4 stars; one submission).

Conditions:
Gnathodiaphyseal dysplasia (GDD). Also called: GNATHODIAPHYSEAL SCLEROSIS; OSTEOGENESIS IMPERFECTA WITH UNUSUAL SKELETAL LESIONS. Identifiers: Orphanet 53697, MedGen C1833736, MONDO:0008151, OMIM 166260.

gnomAD v4.1: 1 of 1,614,084 alleles (0.000062%); highest among the groups gnomAD compares: Admixed American, 0.0017%; no homozygotes.

Submission:

3billion
Classification: Uncertain significance for Gnathodiaphyseal dysplasia. Last evaluated: 2024-08-21. Review status: criteria provided, single submitter. Criteria: ACMG Guidelines, 2015. Collection method: clinical testing. Allele origin: germline. Affected: yes.
Comment: The variant is observed at an extremely low frequency in the gnomAD v4.0.0 dataset (total allele frequency: <0.001%). Predicted Consequence/Location: The majority of the known disease-causing variants of this gene are variants expected to result in premature termination of the protein. In silico tool predictions suggest damaging effect of the variant on gene or gene product [REVEL: 0.75 (>=0.6, sensitivity 0.68 and specificity 0.92); 3Cnet: 0.93 (>=0.6, sensitivity 0.72 and precision 0.9)]. A different missense change at the same codon (p.Thr514Ile) has been reported to be associated with ANO5 related disorder (ClinVar ID: VCV000060689). However the evidence of pathogenicity is insufficient at this time. Therefore, this variant is classified as VUS according to the recommendation of ACMG/AMP guideline.

NM_213599.3(ANO5):c.1541C>G (p.Thr514Arg)

Gene: ANO5 (anoctamin 5; plus strand). Cytogenetic location: 11p14.3.
Variant type: single nucleotide variant.
Coding change: c.1541C>G on transcript NM_213599.3 (MANE Select); coding-DNA position 1541, C replaced by G.
Protein change: p.Thr514Arg; replaces threonine 514 with arginine.
Molecular consequence: missense variant.
Genome position (GRCh38, 1-based): chr11:22,259,652, C>G. VCF-style: chr11-22259652-C-G. GRCh37 (hg19) VCF-style: chr11-22281198-C-G.
Other names: c.1538C>G, p.Thr513Arg (NM_001142649.2); c.1499C>G, p.Thr500Arg (NM_001410963.1); c.1496C>G, p.Thr499Arg (NM_001410964.1); short protein forms T499R, T500R, T513R, T514R.
Identifiers: ClinVar variation 4072263 (VCV004072263.1).